The following is an entry in ClinVar:

NM_198428.3(BBS9):c.344T>G (p.Val115Gly)

Gene: BBS9 (Bardet-Biedl syndrome 9; plus strand). Cytogenetic location: 7p14.3.
Variant type: single nucleotide variant.
Coding change: c.344T>G on transcript NM_198428.3 (MANE Select); coding-DNA position 344, T replaced by G.
Protein change: p.Val115Gly; replaces valine 115 with glycine.
Molecular consequence: missense variant. On other transcripts: 5 prime UTR variant (4), non-coding transcript variant (3).
Genome position (GRCh38, 1-based): chr7:33,177,493, T>G. VCF-style: chr7-33177493-T-G. GRCh37 (hg19) VCF-style: chr7-33217105-T-G.
Other names: c.344T>G, p.Val115Gly (NM_001033604.2, NM_001033605.2, NM_001348036.1 and 5 more transcripts); c.-23T>G (NM_001348037.3, NM_001348044.3, NM_001348045.3 and 1 more transcripts); c.71T>G, p.Val24Gly (NM_001348038.3, NM_001348039.3); c.209T>G, p.Val70Gly (NM_001348042.3); short protein forms V24G, V70G, V115G.
Identifiers: ClinVar variation 4981804 (VCV004981804.1).
Genomic context (GRCh38, chr7:33,177,493, plus strand): 5'-TTAGTGTACACAAATACAAAGTAATCCTTTTTTTTTTTTCCTTAGGAACCTTGGGTAATG[T>G]GGAACATGGGAACCAATGTCAGATGAAATTGATGTATGAACATAATCTTCAGAGAACAGC-3'
Protein context (NP_940820.1, residues 105-125): VYSVSGTLGN[Val115Gly]EHGNQCQMKL

ClinVar aggregate classification (germline): Uncertain significance (1 of 4 stars; one submission).

Conditions:
BBS9-related disorder. Also called: BBS9-related condition.

gnomAD v4.1: 32 of 1,611,476 alleles (0.002%); highest among the groups gnomAD compares: Non-Finnish European, 0.002%; no homozygotes.

Submission:

PreventionGenetics, part of Exact Sciences
Classification: Uncertain significance for BBS9-related condition. Last evaluated: 2025-03-13. Review status: criteria provided, single submitter. Criteria: ACMG Guidelines, 2015. Collection method: clinical testing. Allele origin: germline.
Comment: The BBS9 c.344T>G variant is predicted to result in the amino acid substitution p.Val115Gly. To our knowledge, this variant has not been reported in the literature. This variant is reported in 0.016% of alleles in individuals of European (Non-Finnish) descent in gnomAD. At this time, the clinical significance of this variant is uncertain due to the absence of conclusive functional and genetic evidence.